The following is an entry in ClinVar:

ClinVar aggregate classification (germline): Pathogenic (1 of 4 stars; one submission).

Submission:

Labcorp Genetics (formerly Invitae), Labcorp
Classification: Pathogenic. Last evaluated: 2023-12-14. Review status: criteria provided, single submitter. Criteria: Invitae Variant Classification Sherloc (09022015). Collection method: clinical testing. Allele origin: germline.
Comment: This sequence change affects a donor splice site in intron 10 of the GNB1 gene. While this variant is not anticipated to result in nonsense mediated decay, it likely alters RNA splicing and results in a disrupted protein product. This variant is not present in population databases (gnomAD no frequency). This variant has not been reported in the literature in individuals affected with GNB1-related conditions. Variants that disrupt the consensus splice site are a relatively common cause of aberrant splicing (PMID: 17576681, 9536098). Algorithms developed to predict the effect of sequence changes on RNA splicing suggest that this variant may disrupt the consensus splice site. This variant disrupts a region of the GNB1 protein in which other variant(s) (p.Ala326Thr) have been determined to be pathogenic (PMID: 27108799). This suggests that this is a clinically significant region of the protein, and that variants that disrupt it are likely to be disease-causing. For these reasons, this variant has been classified as Pathogenic.

Literature cited by the submitters: PubMed 17576681; PubMed 9536098; PubMed 27108799.

NM_002074.5(GNB1):c.916+1G>T

Gene: GNB1 (G protein subunit beta 1; minus strand). Cytogenetic location: 1p36.33.
Variant type: single nucleotide variant.
Coding change: c.916+1G>T on transcript NM_002074.5 (MANE Select); the canonical splice donor site of the intron after coding-DNA position 916, G replaced by T.
Molecular consequence: splice donor variant.
Genome position (GRCh38, 1-based): chr1:1,789,052, C>A on the plus strand (G>T on the coding strand, the complement: GNB1 is on the minus strand). VCF-style: chr1-1789052-C-A. GRCh37 (hg19) VCF-style: chr1-1720491-C-A.
Other names: c.916+1G>T (NM_001282539.2); c.616+1G>T (NM_001282538.2).
Identifiers: ClinVar variation 2703061 (VCV002703061.3), dbSNP rs2522181364, ClinGen allele CA337903184.